The following is an entry in ClinVar:

ClinVar aggregate classification (germline): Uncertain significance. Review status: criteria provided, multiple submitters, no conflicts (2 of 4 stars). 2 submissions from 2 submitters: Uncertain significance (2). Last evaluated 2025-12-01.

Conditions:
Hyperkalemic periodic paralysis. Also called: Familial hyperkalemic periodic paralysis; Gamstorp disease. Identifiers: Orphanet 682, MedGen C0238357, MONDO:0008224, OMIM 170500, HP:0007215.

Allele frequency attached by ClinVar (database versions not stated): gnomAD exomes below 0.00001 and 0.00001; gnomAD 0.00002 and 0.00003; ESP Exome Variant Server 0.00008.
gnomAD v4.1: 17 of 1,613,940 alleles (0.0011%); highest among the groups gnomAD compares: Admixed American, 0.0017%; no homozygotes.

Submissions (2):

Labcorp Genetics (formerly Invitae), Labcorp
Classification: Uncertain significance for Hyperkalemic periodic paralysis. Last evaluated: 2025-12-01. Review status: criteria provided, single submitter. Criteria: Invitae Variant Classification Sherloc (09022015). Collection method: clinical testing. Allele origin: germline.
Comment: This sequence change replaces aspartic acid, which is acidic and polar, with asparagine, which is neutral and polar, at codon 1514 of the SCN4A protein (p.Asp1514Asn). This variant is present in population databases (rs374278037, gnomAD 0.003%). This variant has not been reported in the literature in individuals affected with SCN4A-related conditions. ClinVar contains an entry for this variant (Variation ID: 834752). Invitae Evidence Modeling of protein sequence and biophysical properties (such as structural, functional, and spatial information, amino acid conservation, physicochemical variation, residue mobility, and thermodynamic stability) indicates that this missense variant is not expected to disrupt SCN4A protein function with a negative predictive value of 95%. In summary, the available evidence is currently insufficient to determine the role of this variant in disease. Therefore, it has been classified as a Variant of Uncertain Significance.

Women's Health and Genetics/Laboratory Corporation of America, LabCorp
Classification: Uncertain significance. Last evaluated: 2023-03-30. Review status: criteria provided, single submitter. Criteria: LabCorp Variant Classification Summary - May 2015. Collection method: clinical testing. Allele origin: germline.
Comment: Variant summary: SCN4A c.4540G>A (p.Asp1514Asn) results in a conservative amino acid change located in the Ion transport domain (IPR005821) of the encoded protein sequence. Three of five in-silico tools predict a benign effect of the variant on protein function. The variant allele was found at a frequency of 4e-06 in 250964 control chromosomes (gnomAD). The available data on variant occurrences in the general population are insufficient to allow any conclusion about variant significance. To our knowledge, no occurrence of c.4540G>A in individuals affected with Acetazolamide-Responsive Myotonia and no experimental evidence demonstrating its impact on protein function have been reported. One ClinVar submitter has assessed the variant since 2014: the variant was classified as uncertain significance. Based on the evidence outlined above, the variant was classified as uncertain significance.

NM_000334.4(SCN4A):c.4540G>A (p.Asp1514Asn)

Genes: GH-LCR (growth hormone locus control region; plus strand), SCN4A (sodium voltage-gated channel alpha subunit 4; minus strand). Cytogenetic location: 17q23.3.
Variant type: single nucleotide variant.
Coding change: c.4540G>A on transcript NM_000334.4 (MANE Select); coding-DNA position 4540, G replaced by A.
Protein change: p.Asp1514Asn; replaces aspartic acid 1514 with asparagine.
Molecular consequence: missense variant.
Genome position (GRCh38, 1-based): chr17:63,941,742, C>T on the plus strand (G>A on the coding strand, the complement: SCN4A is on the minus strand). VCF-style: chr17-63941742-C-T. GRCh37 (hg19) VCF-style: chr17-62019102-C-T.
Other names: short protein forms D1514N.
Identifiers: ClinVar variation 834752 (VCV000834752.10), dbSNP rs374278037, ClinGen allele CA292957087.
Genomic context (GRCh38, chr17:63,941,742, plus strand): 5'-TGGTGATCTCGAACAGGCAGATGATGCTGTTGCCGAAGGTCTCGAAGTTGAACATATCAT[C>T]GATGCCCGACTCCTTCTTGACGTAGGCAAAGTTGGACATGCCGAAGATGGAGTAGATGAA-3'
Protein context (NP_000325.4, residues 1504-1524): FAYVKKESGI[Asp1514Asn]DMFNFETFGN